The following is an entry in ClinVar:

NM_130468.4(CHST14):c.863C>T (p.Pro288Leu)

Gene: CHST14 (carbohydrate sulfotransferase 14; plus strand). Cytogenetic location: 15q15.1.
Variant type: single nucleotide variant.
Coding change: c.863C>T on transcript NM_130468.4 (MANE Select); coding-DNA position 863, C replaced by T.
Protein change: p.Pro288Leu; replaces proline 288 with leucine.
Molecular consequence: missense variant.
Genome position (GRCh38, 1-based): chr15:40,472,076, C>T. VCF-style: chr15-40472076-C-T. GRCh37 (hg19) VCF-style: chr15-40764275-C-T.
Other names: short protein forms P288L.
Identifiers: ClinVar variation 2586597 (VCV002586597.2), dbSNP rs1894358518, ClinGen allele CA391767620.

ClinVar aggregate classification (germline): Uncertain significance (1 of 4 stars; one submission).

Conditions:
Cardiovascular phenotype. Identifiers: MedGen CN230736.

Allele frequency attached by ClinVar (database versions not stated): TOPMed below 0.00001.

Submission:

Ambry Genetics
Classification: Uncertain significance for Cardiovascular phenotype. Last evaluated: 2023-09-01. Review status: criteria provided, single submitter. Criteria: Ambry Variant Classification Scheme 2023. Collection method: clinical testing. Allele origin: germline.
Comment: The p.P288L variant (also known as c.863C>T), located in coding exon 1 of the CHST14 gene, results from a C to T substitution at nucleotide position 863. The proline at codon 288 is replaced by leucine, an amino acid with similar properties. This amino acid position is conserved. In addition, this alteration is predicted to be deleterious by in silico analysis. Since supporting evidence is limited at this time, the clinical significance of this alteration remains unclear.